The following is an entry in ClinVar:

ClinVar aggregate classification (germline): Uncertain significance (1 of 4 stars; one submission).

Conditions:
Multiple endocrine neoplasia, type 2 (MEN2). Identifiers: Orphanet 653, MedGen C4048306, MONDO:0019003. Disease mechanism: gain of function.

Submission:

All of Us Research Program, National Institutes of Health
Classification: Uncertain significance for Multiple endocrine neoplasia, type 2. Last evaluated: 2023-02-24. Review status: criteria provided, single submitter. Criteria: ACMG Guidelines, 2015. Collection method: clinical testing. Allele origin: germline. Inheritance: Autosomal dominant inheritance. Observed: 1 variant allele, 1 heterozygote.
Comment: This missense variant replaces serine with proline at codon 699 of the RET protein. Computational prediction is inconclusive regarding the impact of this variant on protein structure and function (internally defined REVEL score threshold 0.5 < inconclusive < 0.7, PMID: 27666373). To our knowledge, functional studies have not been reported for this variant. This variant has not been reported in individuals affected with RET-related disorders in the literature. This variant has not been identified in the general population by the Genome Aggregation Database (gnomAD). The available evidence is insufficient to determine the role of this variant in disease conclusively. Therefore, this variant is classified as a Variant of Uncertain Significance.

This study involves interpretation of variants in research participants for the purpose of population health screening. Participant phenotype was not available at the time of variant classification. Additional details can be found in publication PMID: 35346344, PMCID: PMC8962531

NM_020975.6(RET):c.2095T>C (p.Ser699Pro)

Gene: RET (ret proto-oncogene; plus strand). Cytogenetic location: 10q11.21.
Variant type: single nucleotide variant.
Coding change: c.2095T>C on transcript NM_020975.6 (MANE Select); coding-DNA position 2095, T replaced by C.
Protein change: p.Ser699Pro; replaces serine 699 with proline.
Molecular consequence: missense variant.
Genome position (GRCh38, 1-based): chr10:43,114,695, T>C. VCF-style: chr10-43114695-T-C. GRCh37 (hg19) VCF-style: chr10-43610143-T-C.
Other names: c.2095T>C, p.Ser699Pro (NM_000323.2, NM_001406743.1, NM_001406744.1 and 4 more transcripts); c.1333T>C, p.Ser445Pro (NM_001355216.2); c.1966T>C, p.Ser656Pro (NM_001406761.1, NM_001406762.1, NM_001406764.1); c.1960T>C, p.Ser654Pro (NM_001406763.1, NM_001406765.1); c.1807T>C, p.Ser603Pro (NM_001406766.1, NM_001406767.1, NM_001406770.1); c.1831T>C, p.Ser611Pro (NM_001406768.1); c.1699T>C, p.Ser567Pro (NM_001406769.1, NM_001406772.1); c.1657T>C, p.Ser553Pro (NM_001406771.1, NM_001406773.1); and 10 more; short protein forms S216P, S264P, S304P, S355P, S357P, S360P, S369P, S400P.
Identifiers: ClinVar variation 3069623 (VCV003069623.1), dbSNP rs2538501642, ClinGen allele CA376553297.